The following is an entry in ClinVar:

NM_015346.4(ZFYVE26):c.45dup (p.Leu16fs)

Gene: ZFYVE26 (zinc finger FYVE-type containing 26; minus strand). Cytogenetic location: 14q24.1.
Variant type: Duplication.
Coding change: c.45dup on transcript NM_015346.4 (MANE Select); coding-DNA position 45, one base duplicated (G; older notation c.45dupG).
Protein change: p.Leu16fs; shifts the reading frame from leucine 16.
Molecular consequence: frameshift variant.
Genome position (GRCh38, 1-based): chr14:67,815,919, C duplicated on the plus strand (G on the coding strand, the reverse complement: ZFYVE26 is on the minus strand). VCF-style (leftmost placement, unchanged base first): chr14-67815918-G-GC. GRCh37 (hg19) VCF-style: chr14-68282635-G-GC.
Other names: short protein forms L16fs.
Identifiers: ClinVar variation 5012091 (VCV005012091.1).
Genomic context (GRCh38, chr14:67,815,918, plus strand): 5'-CACATGCCTGTGCCAGCTCCCATTCTCCCCTCCGCAGGCATTCGCAGAAAAATCCAAAAA[G>GC]CTGCTTCTGCGAAGCAGCTTCCTCTTTTCCAAATGGATGATTCATTTTCCCAGCACAGAG-3'

ClinVar aggregate classification (germline): Pathogenic (1 of 4 stars; one submission).

Conditions:
Hereditary spastic paraplegia 15 (SPG15). Also called: SPASTIC PARAPLEGIA 15, AUTOSOMAL RECESSIVE; KJELLIN SYNDROME; SPASTIC PARAPLEGIA AND RETINAL DEGENERATION. Identifiers: Orphanet 100996, MedGen C1849128, MONDO:0010044, OMIM 270700.

Submission:

Myriad Genetics, Inc.
Classification: Pathogenic for Hereditary spastic paraplegia 15. Last evaluated: 2023-09-27. Review status: criteria provided, single submitter. Criteria: Myriad Autosomal Dominant, Autosomal Recessive and X-Linked Classification Criteria (2023). Collection method: clinical testing. Allele origin: unknown.
Comment: NM_015346.3(ZFYVE26):c.45dupG(L16Afs*88) is expected to be pathogenic in the context of spastic paraplegia type 15. This variant is predicted to lead to an abnormal or absent protein product due to the creation of a premature termination codon in ZFYVE26, a gene where loss-of-function variants are known to be pathogenic. Please note: this variant was assessed in the context of healthy population screening.